The following is an entry in ClinVar:

ClinVar aggregate classification (germline): Uncertain significance (1 of 4 stars; one submission).

Allele frequency attached by ClinVar (database versions not stated): TOPMed below 0.00001; gnomAD 0.00001.

Submission:

CeGaT Center for Human Genetics Tuebingen
Classification: Uncertain significance. Last evaluated: 2023-09-01. Review status: criteria provided, single submitter. Criteria: CeGaT Center For Human Genetics Tuebingen Variant Classification Criteria Version 2. Collection method: clinical testing. Allele origin: germline. Affected: yes. Observed: 1 variant allele.
Comment: SLC16A2: PM2, BP4

NM_006517.5(SLC16A2):c.-3G>C

Gene: SLC16A2 (solute carrier family 16 member 2; plus strand). Cytogenetic location: Xq13.2.
Variant type: single nucleotide variant.
Coding change: c.-3G>C on transcript NM_006517.5 (MANE Select); 3 bases upstream of the start codon, G replaced by C.
Molecular consequence: 5 prime UTR variant.
Genome position (GRCh38, 1-based): chrX:74,421,635, G>C. VCF-style: chrX-74421635-G-C. GRCh37 (hg19) VCF-style: chrX-73641470-G-C.
Identifiers: ClinVar variation 2660925 (VCV002660925.24), dbSNP rs1928295113, ClinGen allele CA1134264560.